The following is an entry in ClinVar:

ClinVar aggregate classification (germline): Conflicting classifications of pathogenicity. Review status: criteria provided, conflicting classifications (1 of 4 stars). 5 submissions from 5 submitters: Uncertain significance (1); Benign (3). 1 of the submissions does not count toward it. Last evaluated 2025-12-24.

Conditions:
SYNE2-related disorder. Also called: SYNE2-related condition.
Emery-Dreifuss muscular dystrophy 5, autosomal dominant (EDMD5). Also called: EMERY-DREIFUSS MUSCULAR DYSTROPHY 5. Identifiers: Orphanet 261, MedGen C2751805, MONDO:0013072, OMIM 612999.

Allele frequency attached by ClinVar (database versions not stated): gnomAD exomes 0.00038 and 0.00079; gnomAD 0.00048 and 0.00051; TOPMed 0.00053; ExAC 0.00060; ESP Exome Variant Server 0.00085.
gnomAD v4.1: 674 of 1,613,772 alleles (0.042%); highest among the groups gnomAD compares: Middle Eastern, 0.051%; 4 homozygotes.

Submissions (5):

Labcorp Genetics (formerly Invitae), Labcorp
Classification: Benign for Emery-Dreifuss muscular dystrophy 5, autosomal dominant. Last evaluated: 2025-12-24. Review status: criteria provided, single submitter. Criteria: Invitae Variant Classification Sherloc (09022015). Collection method: clinical testing. Allele origin: germline.

Department of Pathology and Laboratory Medicine, Sinai Health System
Classification: Benign for Emery-Dreifuss muscular dystrophy 5, autosomal dominant. Last evaluated: 2020-08-25. Review status: criteria provided, single submitter. Criteria: ACMG Guidelines, 2015. Collection method: research. Allele origin: germline.

Illumina Laboratory Services, Illumina
Classification: Benign for Emery-Dreifuss muscular dystrophy 5, autosomal dominant. Last evaluated: 2018-01-13. Review status: criteria provided, single submitter. Criteria: ICSL Variant Classification Criteria 13 December 2019. Collection method: clinical testing. Allele origin: germline.
Comment: This variant was observed in the ICSL laboratory as part of a predisposition screen in an ostensibly healthy population. It had not been previously curated by ICSL or reported in the Human Gene Mutation Database (HGMD: prior to June 1st, 2018), and was therefore a candidate for classification through an automated scoring system. Utilizing variant allele frequency, disease prevalence and penetrance estimates, and inheritance mode, an automated score was calculated to assess if this variant is too frequent to cause the disease. Based on the score and internal cut-off values, a variant classified as benign is not then subjected to further curation. The score for this variant resulted in a classification of benign for this disease.

Eurofins Ntd Llc (ga)
Classification: Uncertain significance. Last evaluated: 2015-08-24. Review status: criteria provided, single submitter. Criteria: EGL Classification Definitions 2015. Collection method: clinical testing. Allele origin: germline. Observed: 2 variant alleles, 2 heterozygotes.

PreventionGenetics, part of Exact Sciences
Classification: Likely benign for SYNE2-related condition. Last evaluated: 2019-03-06. Review status: no assertion criteria provided. Collection method: clinical testing. Allele origin: germline. Not counted in ClinVar's aggregate classification.
Comment: This variant is classified as likely benign based on ACMG/AMP sequence variant interpretation guidelines (Richards et al. 2015 PMID: 25741868, with internal and published modifications).

NM_182914.3(SYNE2):c.16591C>A (p.Pro5531Thr)

Gene: SYNE2 (spectrin repeat containing nuclear envelope protein 2; plus strand). Cytogenetic location: 14q23.2.
Variant type: single nucleotide variant.
Coding change: c.16591C>A on transcript NM_182914.3 (MANE Select); coding-DNA position 16591, C replaced by A.
Protein change: p.Pro5531Thr; replaces proline 5531 with threonine.
Molecular consequence: missense variant.
Genome position (GRCh38, 1-based): chr14:64,165,396, C>A. VCF-style: chr14-64165396-C-A. GRCh37 (hg19) VCF-style: chr14-64632114-C-A.
Other names: c.16591C>A, p.Pro5531Thr (NM_015180.6); short protein forms P5531T.
Identifiers: ClinVar variation 282879 (VCV000282879.22), dbSNP rs145036293, ClinGen allele CA7223415.